The following is an entry in ClinVar:

ClinVar aggregate classification (germline): Uncertain significance (1 of 4 stars; one submission).

Conditions:
Charcot-Marie-Tooth disease axonal type 2C (HMSN2C). Also called: CHARCOT-MARIE-TOOTH DISEASE, AXONAL, AUTOSOMAL DOMINANT, TYPE 2C; Charcot-Marie-Tooth Neuropathy Type 2C; Charcot-Marie-Tooth Disease Type 2, TRPV4-Related (CMT2C). Identifiers: Orphanet 99937, MedGen C1853710, MONDO:0011633, OMIM 606071.

Submission:

Labcorp Genetics (formerly Invitae), Labcorp
Classification: Uncertain significance for Charcot-Marie-Tooth disease axonal type 2C. Last evaluated: 2023-10-22. Review status: criteria provided, single submitter. Criteria: Invitae Variant Classification Sherloc (09022015). Collection method: clinical testing. Allele origin: germline.
Comment: This sequence change creates a premature translational stop signal (p.Tyr411*) in the TRPV4 gene. It is expected to result in an absent or disrupted protein product. However, the current clinical and genetic evidence is not sufficient to establish whether loss-of-function variants in TRPV4 cause disease. This variant is not present in population databases (gnomAD no frequency). This variant has not been reported in the literature in individuals affected with TRPV4-related conditions. In summary, the available evidence is currently insufficient to determine the role of this variant in disease. Therefore, it has been classified as a Variant of Uncertain Significance.

NM_021625.5(TRPV4):c.1233T>A (p.Tyr411Ter)

Gene: TRPV4 (transient receptor potential cation channel subfamily V member 4; minus strand). Cytogenetic location: 12q24.11.
Variant type: single nucleotide variant.
Coding change: c.1233T>A on transcript NM_021625.5 (MANE Select); coding-DNA position 1233, T replaced by A.
Protein change: p.Tyr411Ter; replaces tyrosine 411 with a stop codon.
Molecular consequence: nonsense. On other transcripts: intron variant (2).
Genome position (GRCh38, 1-based): chr12:109,796,624, A>T on the plus strand (T>A on the coding strand, the complement: TRPV4 is on the minus strand). VCF-style: chr12-109796624-A-T. GRCh37 (hg19) VCF-style: chr12-110234429-A-T.
Other names: c.1092T>A, p.Tyr364Ter (NM_001177428.2); c.1131T>A, p.Tyr377Ter (NM_001177431.2); c.1011+1990T>A (NM_001177433.1); c.1152+1990T>A (NM_147204.2); short protein forms Y364*, Y377*, Y411*.
Identifiers: ClinVar variation 2770712 (VCV002770712.3), dbSNP rs886042740, ClinGen allele CA386653732.